The following is an entry in ClinVar:

ClinVar aggregate classification (germline): Uncertain significance. Review status: criteria provided, multiple submitters, no conflicts (2 of 4 stars). 3 submissions from 3 submitters: Uncertain significance (3). Last evaluated 2025-12-01.

Conditions:
Inborn genetic diseases. Identifiers: MedGen C0950123, MeSH D030342.

Allele frequency attached by ClinVar (database versions not stated): ExAC 0.00003; gnomAD 0.00003; TOPMed 0.00003.
gnomAD v4.1: 92 of 1,613,388 alleles (0.0057%); highest among the groups gnomAD compares: Non-Finnish European, 0.0068%; no homozygotes.

Submissions (3):

Women's Health and Genetics/Laboratory Corporation of America, LabCorp
Classification: Uncertain significance. Last evaluated: 2025-12-01. Review status: criteria provided, single submitter. Criteria: LabCorp Variant Classification Summary - May 2015. Collection method: clinical testing. Allele origin: germline.
Comment: Variant summary: DOCK6 c.5389G>A (p.Asp1797Asn) results in a conservative amino acid change located in the DOCKER domain (IPR027357) of the encoded protein sequence. Algorithms developed to predict the effect of missense changes on protein structure and function are either unavailable or do not agree on the potential impact of this missense change. The variant allele was found at a frequency of 4.8e-05 in 248388 control chromosomes. This frequency is not significantly higher than estimated for disease-causing variants in DOCK6, allowing no conclusion about variant significance. To our knowledge, no occurrence of c.5389G>A in individuals affected with DOCK6-related conditions and no experimental evidence demonstrating its impact on protein function have been reported. ClinVar contains an entry for this variant (Variation ID: 2198748). Based on the evidence outlined above, the variant was classified as uncertain significance.

Ambry Genetics
Classification: Uncertain significance for Inborn genetic diseases. Last evaluated: 2025-05-17. Review status: criteria provided, single submitter. Criteria: Ambry Variant Classification Scheme 2023. Collection method: clinical testing. Allele origin: germline.

Labcorp Genetics (formerly Invitae), Labcorp
Classification: Uncertain significance. Last evaluated: 2022-07-21. Review status: criteria provided, single submitter. Criteria: Invitae Variant Classification Sherloc (09022015). Collection method: clinical testing. Allele origin: germline.
Comment: This sequence change replaces aspartic acid, which is acidic and polar, with asparagine, which is neutral and polar, at codon 1797 of the DOCK6 protein (p.Asp1797Asn). This variant is present in population databases (rs770309626, gnomAD 0.01%). This variant has not been reported in the literature in individuals affected with DOCK6-related conditions. Algorithms developed to predict the effect of missense changes on protein structure and function (SIFT, PolyPhen-2, Align-GVGD) all suggest that this variant is likely to be tolerated. In summary, the available evidence is currently insufficient to determine the role of this variant in disease. Therefore, it has been classified as a Variant of Uncertain Significance.

NM_020812.4(DOCK6):c.5389G>A (p.Asp1797Asn)

Gene: DOCK6 (dedicator of cytokinesis 6; minus strand). Cytogenetic location: 19p13.2.
Variant type: single nucleotide variant.
Coding change: c.5389G>A on transcript NM_020812.4 (MANE Select); coding-DNA position 5389, G replaced by A.
Protein change: p.Asp1797Asn; replaces aspartic acid 1797 with asparagine.
Molecular consequence: missense variant.
Genome position (GRCh38, 1-based): chr19:11,202,456, C>T on the plus strand (G>A on the coding strand, the complement: DOCK6 is on the minus strand). VCF-style: chr19-11202456-C-T. GRCh37 (hg19) VCF-style: chr19-11313132-C-T.
Other names: c.5494G>A, p.Asp1832Asn (NM_001367830.1); c.5389G>A (NM_020812.2); short protein forms D1832N, D1797N.
Identifiers: ClinVar variation 2198748 (VCV002198748.3), dbSNP rs770309626, ClinGen allele CA9206483.